The following is an entry in ClinVar:

ClinVar aggregate classification (germline): Uncertain significance (1 of 4 stars; one submission).

Conditions:
Ehlers-Danlos syndrome, classic type, 1 (EDSCL1). Also called: EHLERS-DANLOS SYNDROME, GRAVIS TYPE; EHLERS-DANLOS SYNDROME, SEVERE CLASSIC TYPE; Ehlers-Danlos syndrome, type 1; Ehlers-Danlos Syndrome, Classic Type, COL5A1-Related; EDS I. Identifiers: MedGen C0268335, MONDO:0019567, OMIM 130000.
Osteogenesis imperfecta type I (OI1). Also called: OI, TYPE I; OSTEOGENESIS IMPERFECTA TARDA; OSTEOGENESIS IMPERFECTA WITH BLUE SCLERAE; Osteogenesis imperfecta type 1; Lobstein's Disease; Lobstein disease. Identifiers: Orphanet 216796, Orphanet 666, MedGen C0023931, MONDO:0008146, OMIM 166200. Disease mechanism: loss of function.

gnomAD v4.1: 1 of 1,614,140 alleles (0.000062%); highest among the groups gnomAD compares: Non-Finnish European, 0.000085%; no homozygotes.

Submission:

Labcorp Genetics (formerly Invitae), Labcorp
Classification: Uncertain significance for Osteogenesis imperfecta type I; Ehlers-Danlos syndrome, classic type, 1. Last evaluated: 2025-11-01. Review status: criteria provided, single submitter. Criteria: Invitae Variant Classification Sherloc (09022015). Collection method: clinical testing. Allele origin: germline.
Comment: This sequence change replaces proline, which is neutral and non-polar, with leucine, which is neutral and non-polar, at codon 332 of the COL1A2 protein (p.Pro332Leu). This variant is not present in population databases (gnomAD no frequency). This variant has not been reported in the literature in individuals affected with COL1A2-related conditions. Invitae Evidence Modeling of protein sequence and biophysical properties (such as structural, functional, and spatial information, amino acid conservation, physicochemical variation, residue mobility, and thermodynamic stability) indicates that this missense variant is not expected to disrupt COL1A2 protein function with a negative predictive value of 95%. In summary, the available evidence is currently insufficient to determine the role of this variant in disease. Therefore, it has been classified as a Variant of Uncertain Significance.

NM_000089.4(COL1A2):c.995C>T (p.Pro332Leu)

Gene: COL1A2 (collagen type I alpha 2 chain; plus strand). Cytogenetic location: 7q21.3.
Variant type: single nucleotide variant.
Coding change: c.995C>T on transcript NM_000089.4 (MANE Select); coding-DNA position 995, C replaced by T.
Protein change: p.Pro332Leu; replaces proline 332 with leucine.
Molecular consequence: missense variant.
Genome position (GRCh38, 1-based): chr7:94,409,781, C>T. VCF-style: chr7-94409781-C-T. GRCh37 (hg19) VCF-style: chr7-94039093-C-T.
Other names: short protein forms P332L.
Identifiers: ClinVar variation 4787777 (VCV004787777.1).
Genomic context (GRCh38, chr7:94,409,781, plus strand): 5'-AGGGCCTTCCCGGCGTTGCTGGGGCTCCCGGCCTCCCTGGACCCCGCGGTATTCCTGGCC[C>T]TGTTGGTGCTGCCGGTGCTACTGGTGCCAGAGGACTTGTTGTAAGTGGTCATGACTGTGG-3'
Protein context (NP_000080.2, residues 322-342): GLPGPRGIPG[Pro332Leu]VGAAGATGAR